The following is an entry in ClinVar:

ClinVar aggregate classification (germline): Uncertain significance. Review status: criteria provided, multiple submitters, no conflicts (2 of 4 stars). 2 submissions from 2 submitters: Uncertain significance (2). Last evaluated 2024-05-04.

Conditions:
Hereditary cancer-predisposing syndrome. Also called: Tumor predisposition; Neoplastic Syndromes, Hereditary; Hereditary Cancer Syndrome; Hereditary neoplastic syndrome. Identifiers: Orphanet 140162, MedGen C0027672, MeSH D009386, MONDO:0015356.
Ataxia-telangiectasia syndrome (AT). Also called: ATAXIA-TELANGIECTASIA, COMPLEMENTATION GROUP A; ATAXIA-TELANGIECTASIA, FRESNO VARIANT; Ataxia-telangiectasia; Ataxia-telangiectasia, complementation group D; AT, COMPLEMENTATION GROUP C; Ataxia-telangiectasia, complementation group E. Identifiers: Orphanet 100, MedGen C0004135, MONDO:0008840, OMIM 208900.

Allele frequency attached by ClinVar (database versions not stated): gnomAD exomes below 0.00001.
gnomAD v4.1: 1 of 1,613,980 alleles (0.000062%); highest among the groups gnomAD compares: Non-Finnish European, 0.000085%; no homozygotes.

Submissions (2):

Labcorp Genetics (formerly Invitae), Labcorp
Classification: Uncertain significance for Ataxia-telangiectasia syndrome. Last evaluated: 2024-05-04. Review status: criteria provided, single submitter. Criteria: Invitae Variant Classification Sherloc (09022015). Collection method: clinical testing. Allele origin: germline.
Comment: This sequence change replaces valine, which is neutral and non-polar, with methionine, which is neutral and non-polar, at codon 2587 of the ATM protein (p.Val2587Met). This variant is present in population databases (no rsID available, gnomAD 0.0009%). This variant has not been reported in the literature in individuals affected with ATM-related conditions. ClinVar contains an entry for this variant (Variation ID: 827242). An algorithm developed to predict the effect of missense changes on protein structure and function (PolyPhen-2) suggests that this variant is likely to be tolerated. In summary, the available evidence is currently insufficient to determine the role of this variant in disease. Therefore, it has been classified as a Variant of Uncertain Significance.

Ambry Genetics
Classification: Uncertain significance for Hereditary cancer-predisposing syndrome. Last evaluated: 2024-03-02. Review status: criteria provided, single submitter. Criteria: Ambry Variant Classification Scheme 2023. Collection method: clinical testing. Allele origin: germline.
Comment: The p.V2587M variant (also known as c.7759G>A), located in coding exon 51 of the ATM gene, results from a G to A substitution at nucleotide position 7759. The valine at codon 2587 is replaced by methionine, an amino acid with highly similar properties. This amino acid position is poorly conserved in available vertebrate species. In addition, this alteration is predicted to be tolerated by in silico analysis. Since supporting evidence is limited at this time, the clinical significance of this alteration remains unclear.

NM_000051.4(ATM):c.7759G>A (p.Val2587Met)

Genes: ATM (ATM serine/threonine kinase; plus strand), C11orf65 (chromosome 11 open reading frame 65; minus strand). Cytogenetic location: 11q22.3.
Variant type: single nucleotide variant.
Coding change: c.7759G>A on transcript NM_000051.4 (MANE Select); coding-DNA position 7759, G replaced by A.
Protein change: p.Val2587Met; replaces valine 2587 with methionine.
Molecular consequence: missense variant. On other transcripts: intron variant (2).
Genome position (GRCh38, 1-based): chr11:108,332,008, G>A. VCF-style: chr11-108332008-G-A. GRCh37 (hg19) VCF-style: chr11-108202735-G-A.
Other names: c.7759G>A, p.Val2587Met (NM_001351834.2); c.641-22937C>T (NM_001330368.2); c.*38+3212C>T (NM_001351110.2); short protein forms V2587M.
Identifiers: ClinVar variation 827242 (VCV000827242.51), dbSNP rs1285491916, ClinGen allele CA382561163.
Genomic context (GRCh38, chr11:108,332,008, plus strand): 5'-AACAGAGATGAATTTCTGACTAAACCAGAGGTAGCCAGAAGAAGCAGAATAACTAAAAAT[G>A]TGCCTAAACAAAGCTCTCAGCTTGATGAGGTATTTGGATTAAACATACGTACCTTTTAGA-3'
Protein context (NP_000042.3, residues 2577-2597): VARRSRITKN[Val2587Met]PKQSSQLDED